The following is an entry in ClinVar:

ClinVar aggregate classification (germline): Uncertain significance (1 of 4 stars; one submission).

Conditions:
Muscular dystrophy-dystroglycanopathy (congenital with brain and eye anomalies), type A9. Also called: WALKER-WARBURG SYNDROME OR MUSCLE-EYE BRAIN DISEASE, DAG1-RELATED; Muscular dystrophy-dystroglycanopathy (congenital with brain and eye anomalies), type a, 9. Identifiers: Orphanet 370997, Orphanet 899, MedGen C4225291, MONDO:0014683, OMIM 616538.
Autosomal recessive limb-girdle muscular dystrophy type 2P. Also called: MUSCULAR DYSTROPHY-DYSTROGLYCANOPATHY, LIMB-GIRDLE, DAG1-RELATED; Limb-Girdle Muscular Dystrophy Type 9C; MUSCULAR DYSTROPHY, LIMB-GIRDLE, TYPE 2P. Identifiers: Orphanet 280333, MedGen C4511963, MONDO:0013440, OMIM 613818.

Allele frequency attached by ClinVar (database versions not stated): gnomAD exomes below 0.00001.
gnomAD v4.1: 1 of 1,614,146 alleles (0.000062%); highest among the groups gnomAD compares: Non-Finnish European, 0.000085%; no homozygotes.

Submission:

Labcorp Genetics (formerly Invitae), Labcorp
Classification: Uncertain significance for Autosomal recessive limb-girdle muscular dystrophy type 2P; Muscular dystrophy-dystroglycanopathy (congenital with brain and eye anomalies), type A9. Last evaluated: 2022-07-19. Review status: criteria provided, single submitter. Criteria: Invitae Variant Classification Sherloc (09022015). Collection method: clinical testing. Allele origin: germline.
Comment: This sequence change replaces aspartic acid, which is acidic and polar, with glutamic acid, which is acidic and polar, at codon 41 of the DAG1 protein (p.Asp41Glu). This variant is not present in population databases (gnomAD no frequency). This variant has not been reported in the literature in individuals affected with DAG1-related conditions. ClinVar contains an entry for this variant (Variation ID: 1043203). Algorithms developed to predict the effect of missense changes on protein structure and function (SIFT, PolyPhen-2, Align-GVGD) all suggest that this variant is likely to be tolerated. In summary, the available evidence is currently insufficient to determine the role of this variant in disease. Therefore, it has been classified as a Variant of Uncertain Significance.

NM_004393.6(DAG1):c.123C>G (p.Asp41Glu)

Gene: DAG1 (dystroglycan 1; plus strand). Cytogenetic location: 3p21.31.
Variant type: single nucleotide variant.
Coding change: c.123C>G on transcript NM_004393.6 (MANE Select); coding-DNA position 123, C replaced by G.
Protein change: p.Asp41Glu; replaces aspartic acid 41 with glutamic acid.
Molecular consequence: missense variant.
Genome position (GRCh38, 1-based): chr3:49,510,657, C>G. VCF-style: chr3-49510657-C-G. GRCh37 (hg19) VCF-style: chr3-49548090-C-G.
Other names: c.123C>G, p.Asp41Glu (NM_001165928.4, NM_001177634.3, NM_001177635.3 and 9 more transcripts); short protein forms D41E.
Identifiers: ClinVar variation 1043203 (VCV001043203.3), dbSNP rs2050738548, ClinGen allele CA352800384.